The following is an entry in ClinVar:

ClinVar aggregate classification (germline): Pathogenic/Likely pathogenic. Review status: criteria provided, multiple submitters, no conflicts (2 of 4 stars). 3 submissions from 3 submitters: Pathogenic (2); Likely pathogenic (1). Last evaluated 2021-03-24.

Conditions:
HRAS-related disorders.
Costello syndrome (CSTLO). Also called: FACIOCUTANEOSKELETAL SYNDROME; FCS SYNDROME; HRAS-Related Costello Syndrome. Identifiers: Orphanet 3071, MedGen C0587248, MONDO:0009026, OMIM 218040.

Submissions (3):

Blueprint Genetics
Classification: Pathogenic for HRAS-related disorders. Last evaluated: 2021-03-24. Review status: criteria provided, single submitter. Criteria: ACMG Guidelines, 2015. Collection method: clinical testing. Allele origin: germline. Affected: yes. Observed: 1 variant allele.

GeneDx
Classification: Pathogenic. Last evaluated: 2017-05-31. Review status: criteria provided, single submitter. Criteria: GeneDx Variant Classification (06012015). Collection method: clinical testing. Allele origin: germline. Affected: yes.
Comment: The c.35_36delGCinsAA variant resulting in a G12E missense variant in the HRAS gene has been reported previously as de novo and in association with Costello syndrome (Weaver et al., 2014). The c.35_36delGCinsAA was not observed in approximately 6500 individuals of European and African American ancestry in the NHLBI Exome Sequencing Project, indicating it is not a common benign variants in these populations. The G12E variant is a non-conservative amino acid substitution, which is likely to impact secondary protein structure as these residues differ in polarity, charge, size and/or other properties. This substitution occurs at a position that is conserved across species. The glycine codons 12 and 13 of RAS proteins within the RAS/MAPK pathway are functionally important for GDP/GTP binding and are considered hot spots" for pathogenic variants (Wey et al. 2013; Gripp et al. 2012). Missense variants in this same residue (G12S, G12C, G12A, G12V, G12D) have been reported in the Human Gene Mutation Database in association with Costello syndrome (Stenson et al., 2014), supporting the functional importance of this region of the protein."

Laboratory for Molecular Medicine, Mass General Brigham Personalized Medicine
Classification: Likely pathogenic for Costello syndrome. Last evaluated: 2013-08-22. Review status: criteria provided, single submitter. Criteria: LMM Criteria. Collection method: clinical testing. Allele origin: germline. Inheritance: Autosomal dominant inheritance. Observed: 1 variant allele.
Comment: The Gly12Glu variant in HRAS has been reported in one individual with a neonatal presentation of Costello syndrome (Kerr 2006). Several other DNA variants affec ting codon 12 of HRAS are commonly observed in patients with Costello syndrome ( Niihori 2011). In addition this variant has not been identified in large populat ion studies. Glycine (Gly) at this position is highly conserved across evolution arily distinct species, and computational analyses (biochemical amino acid prope rties, AlignGVGD, PolyPhen2, and SIFT) suggest that this variant may impact the protein. In summary, this variant is likely pathogenic, though additional studie s are required to fully establish its clinical significance.

Literature cited by the submitters: PubMed 16443854 (cited by Laboratory for Molecular Medicine, Mass General Brigham Personalized Medicine); PubMed 21850009 (cited by Laboratory for Molecular Medicine, Mass General Brigham Personalized Medicine).

NM_005343.4(HRAS):c.35_36delinsAA (p.Gly12Glu)

Genes: HRAS (HRas proto-oncogene, GTPase; minus strand), LRRC56 (leucine rich repeat containing 56; plus strand). Cytogenetic location: 11p15.5.
Variant type: Indel.
Coding change: c.35_36delinsAA on transcript NM_005343.4 (MANE Select); coding-DNA positions 35 to 36, GC replaced by AA.
Protein change: p.Gly12Glu; replaces glycine 12 with glutamic acid.
Molecular consequence: missense variant. On other transcripts: 5 prime UTR variant (1).
Genome position (GRCh38, 1-based): chr11:534,287-534,288, GC replaced by TT on the plus strand (GC replaced by AA on the coding strand, the reverse complement: HRAS is on the minus strand). VCF-style: chr11-534287-GC-TT. GRCh37 (hg19) VCF-style: chr11-534287-GC-TT.
Other names: c.35_36delinsAA, p.Gly12Glu (NM_001130442.3, NM_176795.5); c.-285_-284delinsAA (NM_001318054.2); short protein forms G12E.
Identifiers: ClinVar variation 163690 (VCV000163690.5), dbSNP rs727503094, ClinGen allele CA273158.